The following is an entry in ClinVar:

ClinVar aggregate classification (germline): Pathogenic. Review status: criteria provided, multiple submitters, no conflicts (2 of 4 stars). 2 submissions from 2 submitters: Pathogenic (2). Last evaluated 2022-10-07.

Conditions:
Telangiectasia, hereditary hemorrhagic, type 2 (HHT2). Also called: ACVRL1-Related Hereditary Hemorrhagic Telangiectasia; Telangiectasia, hereditary hemorrhagic, type II. Identifiers: Orphanet 774, MedGen C1838163, MONDO:0010880, OMIM 600376. Disease mechanism: loss of function.
Cardiovascular phenotype. Identifiers: MedGen CN230736.

Submissions (2):

Labcorp Genetics (formerly Invitae), Labcorp
Classification: Pathogenic for Telangiectasia, hereditary hemorrhagic, type 2. Last evaluated: 2022-10-07. Review status: criteria provided, single submitter. Criteria: Invitae Variant Classification Sherloc (09022015). Collection method: clinical testing. Allele origin: germline.
Comment: For these reasons, this variant has been classified as Pathogenic. This sequence change creates a premature translational stop signal (p.Trp239*) in the ACVRL1 gene. It is expected to result in an absent or disrupted protein product. Loss-of-function variants in ACVRL1 are known to be pathogenic (PMID: 15879500). This variant is not present in population databases (gnomAD no frequency). This premature translational stop signal has been observed in individual(s) with hereditary hemorrhagic telangiectasia (PMID: 16690726).

Ambry Genetics
Classification: Pathogenic for Cardiovascular phenotype. Last evaluated: 2018-07-13. Review status: criteria provided, single submitter. Criteria: Ambry Variant Classification Scheme 2023. Collection method: clinical testing. Allele origin: germline.
Comment: The p.W239* pathogenic mutation (also known as c.716G>A) located in coding exon 5 of the ACVRL1 gene, results from a G to A substitution at nucleotide position 716. This changes the amino acid from a tryptophan to a stop codon within coding exon 5. This mutation was reported in one patient with hereditary hemorrhagic telangiectasia (HHT) who had epistaxis and telangectasias (Prigoda et al. J Med Genet. 2006;43: 722-8). This alteration is expected to result in loss of function by premature protein truncation or nonsense-mediated mRNA decay. As such, this alteration is interpreted as a disease-causing mutation.

Literature cited by the submitters: PubMed 15879500 (cited by Labcorp Genetics (formerly Invitae), Labcorp); PubMed 16690726 (cited by Labcorp Genetics (formerly Invitae), Labcorp).

NM_000020.3(ACVRL1):c.716G>A (p.Trp239Ter)

Gene: ACVRL1 (activin A receptor like type 1; plus strand). Cytogenetic location: 12q13.13.
Variant type: single nucleotide variant.
Coding change: c.716G>A on transcript NM_000020.3 (MANE Select); coding-DNA position 716, G replaced by A.
Protein change: p.Trp239Ter; replaces tryptophan 239 with a stop codon.
Molecular consequence: nonsense.
Genome position (GRCh38, 1-based): chr12:51,914,529, G>A. VCF-style: chr12-51914529-G-A. GRCh37 (hg19) VCF-style: chr12-52308313-G-A.
Other names: c.716G>A, p.Trp239Ter (NM_001077401.2, NM_001406487.1, NM_001406488.1 and 1 more transcripts); c.404G>A, p.Trp135Ter (NM_001406490.1, NM_001406491.1, NM_001406492.1 and 2 more transcripts); c.152G>A, p.Trp51Ter (NM_001406495.1); short protein forms W239*, W51*, W135*.
Identifiers: ClinVar variation 1757473 (VCV001757473.7), dbSNP rs2540162760, ClinGen allele CA384900141.